The following is an entry in ClinVar:

ClinVar aggregate classification (germline): Pathogenic. Review status: criteria provided, single submitter (1 of 4 stars). 2 submissions from 2 submitters: Pathogenic (1). 1 of the submissions does not count toward it. Last evaluated 2023-03-29.

Conditions:
Osteogenesis imperfecta type 13. Also called: Osteogenesis imperfecta, type xiii; OI, TYPE XIII. Identifiers: Orphanet 666, MedGen C3553887, MONDO:0013924, OMIM 614856.

Submissions (2):

Labcorp Genetics (formerly Invitae), Labcorp
Classification: Pathogenic. Last evaluated: 2023-03-29. Review status: criteria provided, single submitter. Criteria: Invitae Variant Classification Sherloc (09022015). Collection method: clinical testing. Allele origin: germline.
Comment: An algorithm developed to predict the effect of missense changes on protein structure and function (PolyPhen-2) suggests that this variant is likely to be tolerated. For these reasons, this variant has been classified as Pathogenic. Variants that disrupt the consensus splice site are a relatively common cause of aberrant splicing (PMID: 17576681, 9536098). Studies have shown that this missense change results in skipping of exon 10, but is expected to preserve the integrity of the reading-frame (PMID: 25402547). Experimental studies have shown that this missense change affects BMP1 function (PMID: 25402547). ClinVar contains an entry for this variant (Variation ID: 190234). This missense change has been observed in individual(s) with osteogenesis imperfecta (PMID: 25402547). This variant is not present in population databases (gnomAD no frequency). This sequence change replaces alanine, which is neutral and non-polar, with serine, which is neutral and polar, at codon 433 of the BMP1 protein (p.Ala433Ser). RNA analysis indicates that this missense change induces altered splicing and likely results in a shortened protein product.

OMIM
Classification: Pathogenic for OSTEOGENESIS IMPERFECTA, TYPE XIII. Last evaluated: 2015-02-01. Review status: no assertion criteria provided. Collection method: literature only. Allele origin: germline. Not counted in ClinVar's aggregate classification.

Literature cited by the submitters: PubMed 17576681 (cited by Labcorp Genetics (formerly Invitae), Labcorp); PubMed 9536098 (cited by Labcorp Genetics (formerly Invitae), Labcorp); PubMed 25402547 (cited by Labcorp Genetics (formerly Invitae), Labcorp and OMIM).

NM_006129.5(BMP1):c.1297G>T (p.Ala433Ser)

Gene: BMP1 (bone morphogenetic protein 1; plus strand). Cytogenetic location: 8p21.3.
Variant type: single nucleotide variant.
Coding change: c.1297G>T on transcript NM_006129.5 (MANE Select); coding-DNA position 1297, G replaced by T.
Protein change: p.Ala433Ser; replaces alanine 433 with serine.
Molecular consequence: missense variant. On other transcripts: non-coding transcript variant (2).
Genome position (GRCh38, 1-based): chr8:22,194,174, G>T. VCF-style: chr8-22194174-G-T. GRCh37 (hg19) VCF-style: chr8-22051687-G-T.
Other names: G-T, NT1297; c.1297G>T, p.Ala433Ser (NM_001199.4); short protein forms A433S.
Identifiers: ClinVar variation 190234 (VCV000190234.4), dbSNP rs786205220, ClinGen allele CA199632.